The following is an entry in ClinVar:

NM_005506.4(SCARB2):c.1240-2A>G

Gene: SCARB2 (scavenger receptor class B member 2; minus strand). Cytogenetic location: 4q21.1.
Variant type: single nucleotide variant.
Coding change: c.1240-2A>G on transcript NM_005506.4 (MANE Select); the canonical splice acceptor site of the intron before coding-DNA position 1240, A replaced by G.
Molecular consequence: splice acceptor variant.
Genome position (GRCh38, 1-based): chr4:76,163,385, T>C on the plus strand (A>G on the coding strand, the complement: SCARB2 is on the minus strand). VCF-style: chr4-76163385-T-C. GRCh37 (hg19) VCF-style: chr4-77084538-T-C.
Other names: c.811-2A>G (NM_001204255.2).
Identifiers: ClinVar variation 2744535 (VCV002744535.3), dbSNP rs2476210999, ClinGen allele CA357313604.

ClinVar aggregate classification (germline): Likely pathogenic (1 of 4 stars; one submission).

Conditions:
Progressive myoclonic epilepsy. Also called: Myoclonus epilepsy; Progressive myoclonus epilepsy; Familial progressive myoclonic epilepsy; Myoclonic Epilepsies, Progressive. Identifiers: Orphanet 308, Orphanet 98261, MedGen C0751778, MONDO:0020074.

Submission:

Labcorp Genetics (formerly Invitae), Labcorp
Classification: Likely pathogenic for Progressive myoclonic epilepsy. Last evaluated: 2023-07-17. Review status: criteria provided, single submitter. Criteria: Invitae Variant Classification Sherloc (09022015). Collection method: clinical testing. Allele origin: germline.
Comment: This variant is not present in population databases (gnomAD no frequency). This sequence change affects an acceptor splice site in intron 10 of the SCARB2 gene. It is expected to disrupt RNA splicing. Variants that disrupt the donor or acceptor splice site typically lead to a loss of protein function (PMID: 16199547), and loss-of-function variants in SCARB2 are known to be pathogenic (PMID: 19847901). This variant has not been reported in the literature in individuals affected with SCARB2-related conditions. Algorithms developed to predict the effect of sequence changes on RNA splicing suggest that this variant may disrupt the consensus splice site. In summary, the currently available evidence indicates that the variant is pathogenic, but additional data are needed to prove that conclusively. Therefore, this variant has been classified as Likely Pathogenic.

Literature cited by the submitters: PubMed 16199547; PubMed 19847901.